The following is an entry in ClinVar:

ClinVar aggregate classification (germline): Uncertain significance (1 of 4 stars; one submission).

Conditions:
Hypertrophic cardiomyopathy. Also called: HYPERTROPHIC MYOCARDIOPATHY. Identifiers: Orphanet 217569, MedGen C0007194, MeSH D002312, MONDO:0005045, HP:0001639.

Submission:

Molecular Genetics Lab, DMCH Ludhiana, Dayanand Medical College & Hospital (DMCH)
Classification: Uncertain significance for Hypertrophic cardiomyopathy. Last evaluated: 2020-08-22. Review status: criteria provided, single submitter. Criteria: ACMG Guidelines, 2015. Collection method: clinical testing. Allele origin: germline. Inheritance: Autosomal dominant inheritance. Affected: yes. Observed: 1 heterozygote.
Comment: The missense variant p.L233V in CALR3 (NM_145046.4) has not been reported previously as a pathogenic variant nor as a benign variant, to our knowledge. The p.L233V variant is novel (not in any individuals) in gnomAD Exomes and is novel (not in any individuals) in 1000 Genomes. There is a small physicochemical difference between leucine and valine, which is not likely to impact secondary protein structure as these residues share similar properties. In silico predictors are contradictory (SIFT-Tolerated, Polyphen-2damaging). The residue is conserved across species. For these reasons, this variant has been classified as Uncertain Significance.

NM_145046.5(CALR3):c.697C>G (p.Leu233Val)

Gene: CALR3 (calreticulin 3; minus strand). Cytogenetic location: 19p13.11.
Variant type: single nucleotide variant.
Coding change: c.697C>G on transcript NM_145046.5 (MANE Select); coding-DNA position 697, C replaced by G.
Protein change: p.Leu233Val; replaces leucine 233 with valine.
Molecular consequence: missense variant.
Genome position (GRCh38, 1-based): chr19:16,482,767, G>C on the plus strand (C>G on the coding strand, the complement: CALR3 is on the minus strand). VCF-style: chr19-16482767-G-C. GRCh37 (hg19) VCF-style: chr19-16593578-G-C.
Other names: short protein forms L233V.
Identifiers: ClinVar variation 992814 (VCV000992814.3), dbSNP rs2093383229, ClinGen allele CA404608450.
Genomic context (GRCh38, chr19:16,482,767, plus strand): 5'-CTGGCCAGTCCCCATCCAGGTCACCGTTCCAGTCGCTCTGCTTGCTGGTGCTGGCGTCCA[G>C]AAAATGCTTCTCCCAGTCCTTCAAAGACATGTAAGGAAAAAGTAAAATCAGTCAGATGCT-3'
Protein context (NP_659483.2, residues 223-243): NKAQDWEKHF[Leu233Val]DASTSKQSDW